The following is an entry in ClinVar:

ClinVar aggregate classification (germline): Uncertain significance (1 of 4 stars; one submission).

Conditions:
Inborn genetic diseases. Identifiers: MedGen C0950123, MeSH D030342.

Submission:

Ambry Genetics
Classification: Uncertain significance for Inborn genetic diseases. Last evaluated: 2025-07-12. Review status: criteria provided, single submitter. Criteria: Ambry Variant Classification Scheme 2023. Collection method: clinical testing. Allele origin: germline.
Comment: The p.G290V variant (also known as c.869G>T), located in coding exon 5 of the RECQL4 gene, results from a G to T substitution at nucleotide position 869. The glycine at codon 290 is replaced by valine, an amino acid with dissimilar properties. This amino acid position is conserved. In addition, this alteration is predicted to be tolerated by in silico analysis. Based on the available evidence, the clinical significance of this variant remains unclear.

NM_004260.4(RECQL4):c.869G>T (p.Gly290Val)

Gene: RECQL4 (RecQ like helicase 4; minus strand). Cytogenetic location: 8q24.3.
Variant type: single nucleotide variant.
Coding change: c.869G>T on transcript NM_004260.4 (MANE Select); coding-DNA position 869, G replaced by T.
Protein change: p.Gly290Val; replaces glycine 290 with valine.
Molecular consequence: missense variant. On other transcripts: 5 prime UTR variant (17), non-coding transcript variant (3).
Genome position (GRCh38, 1-based): chr8:144,516,250, C>A on the plus strand (G>T on the coding strand, the complement: RECQL4 is on the minus strand). VCF-style: chr8-144516250-C-A. GRCh37 (hg19) VCF-style: chr8-145741634-C-A.
Other names: c.869G>T, p.Gly290Val (NM_001413033.1, NM_001413036.1, NM_001413039.1 and 4 more transcripts); c.-107G>T (NM_001413034.1); c.-203G>T (NM_001413035.1, NM_001413037.1, NM_001413038.1 and 7 more transcripts); c.-265G>T (NM_001413041.1, NM_001413027.1, NM_001413030.1 and 2 more transcripts); c.740G>T, p.Gly247Val (NM_001413025.1); c.518G>T, p.Gly173Val (NM_001413029.1); c.-472G>T (NM_001413043.1); short protein forms G247V, G290V, G173V.
Identifiers: ClinVar variation 4152378 (VCV004152378.1).